The following is an entry in ClinVar:

ClinVar aggregate classification (germline): Uncertain significance (1 of 4 stars; one submission).

Conditions:
Beckwith-Wiedemann syndrome (BWS). Also called: EMG SYNDROME; Exomphalos macroglossia gigantism syndrome. Identifiers: Orphanet 116, MedGen C0004903, MONDO:0007534, OMIM 130650.

Submission:

Labcorp Genetics (formerly Invitae), Labcorp
Classification: Uncertain significance for Beckwith-Wiedemann syndrome. Last evaluated: 2023-09-12. Review status: criteria provided, single submitter. Criteria: Invitae Variant Classification Sherloc (09022015). Collection method: clinical testing. Allele origin: germline.
Comment: In summary, the available evidence is currently insufficient to determine the role of this variant in disease. Therefore, it has been classified as a Variant of Uncertain Significance. Experimental studies and prediction algorithms are not available or were not evaluated, and the functional significance of this variant is currently unknown. ClinVar contains an entry for this variant (Variation ID: 1038629). This variant has not been reported in the literature in individuals affected with CDKN1C-related conditions. Information on the frequency of this variant in the gnomAD database is not available, as this variant may be reported differently in the database. This variant, c.393_394delinsCT, is a complex sequence change that results in the deletion of 2 and insertion of 2 amino acid(s) in the CDKN1C protein (p.Glu131_Ala132delinsAspSer).

NM_001122630.2(CDKN1C):c.360_361delinsCT (p.Glu120_Ala121delinsAspSer)

Gene: CDKN1C (cyclin dependent kinase inhibitor 1C; minus strand). Cytogenetic location: 11p15.4.
Variant type: Indel.
Coding change: c.360_361delinsCT on transcript NM_001122630.2 (MANE Select); coding-DNA positions 360 to 361, GG replaced by CT.
Protein change: p.Glu120_Ala121delinsAspSer.
Molecular consequence: missense variant. On other transcripts: intron variant (1).
Genome position (GRCh38, 1-based): chr11:2,885,096-2,885,097, CC replaced by AG on the plus strand (GG replaced by CT on the coding strand, the reverse complement: CDKN1C is on the minus strand). VCF-style: chr11-2885096-CC-AG. GRCh37 (hg19) VCF-style: chr11-2906326-CC-AG.
Other names: c.393_394delinsCT, p.Glu131_Ala132delinsAspSer (NM_000076.2, NM_001362474.2); c.360_361delinsCT, p.Glu120_Ala121delinsAspSer (NM_001122631.2); c.255+105_255+106delinsCT (NM_001362475.2).
Identifiers: ClinVar variation 1038629 (VCV001038629.6), dbSNP rs1848959184, ClinGen allele CA1948368645.